The following is an entry in ClinVar:

ClinVar aggregate classification (germline): Uncertain significance. Review status: criteria provided, multiple submitters, no conflicts (2 of 4 stars). 3 submissions from 3 submitters: Uncertain significance (2). 1 of the submissions does not count toward it. Last evaluated 2023-01-20.

Conditions:
Congenital neutropenia-myelofibrosis-nephromegaly syndrome. Also called: Severe congenital neutropenia 5, autosomal recessive. Identifiers: Orphanet 369852, MedGen C3809031, MONDO:0014118, OMIM 615285.

Allele frequency attached by ClinVar (database versions not stated): gnomAD exomes below 0.00001 and 0.00001; TOPMed below 0.00001; gnomAD 0.00001.
gnomAD v4.1: 10 of 1,613,868 alleles (0.00062%); highest among the groups gnomAD compares: Non-Finnish European, 0.00085%; no homozygotes.

Submissions (3):

Blueprint Genetics
Classification: Uncertain significance. Last evaluated: 2023-01-20. Review status: criteria provided, single submitter. Criteria: ACMG Guidelines, 2015. Collection method: clinical testing. Allele origin: germline.

Labcorp Genetics (formerly Invitae), Labcorp
Classification: Uncertain significance for Congenital neutropenia-myelofibrosis-nephromegaly syndrome. Last evaluated: 2021-08-27. Review status: criteria provided, single submitter. Criteria: Invitae Variant Classification Sherloc (09022015). Collection method: clinical testing. Allele origin: germline.
Comment: This sequence change replaces arginine with cysteine at codon 205 of the VPS45 protein (p.Arg205Cys). The arginine residue is highly conserved and there is a large physicochemical difference between arginine and cysteine. This variant is not present in population databases (ExAC no frequency). This variant has not been reported in the literature in individuals affected with VPS45-related conditions. Algorithms developed to predict the effect of missense changes on protein structure and function are either unavailable or do not agree on the potential impact of this missense change (SIFT: "Deleterious"; PolyPhen-2: "Probably Damaging"; Align-GVGD: "Class C15"). In summary, the available evidence is currently insufficient to determine the role of this variant in disease. Therefore, it has been classified as a Variant of Uncertain Significance.

Natera, Inc.
Classification: Uncertain significance for Autosomal recessive severe congenital neutropenia 5. Last evaluated: 2020-03-05. Review status: no assertion criteria provided. Collection method: clinical testing. Allele origin: germline. Not counted in ClinVar's aggregate classification.

NM_007259.5(VPS45):c.613C>T (p.Arg205Cys)

Gene: VPS45 (vacuolar protein sorting 45 homolog; plus strand). Cytogenetic location: 1q21.2.
Variant type: single nucleotide variant.
Coding change: c.613C>T on transcript NM_007259.5 (MANE Select); coding-DNA position 613, C replaced by T.
Protein change: p.Arg205Cys; replaces arginine 205 with cysteine.
Molecular consequence: missense variant. On other transcripts: non-coding transcript variant (1).
Genome position (GRCh38, 1-based): chr1:150,077,705, C>T. VCF-style: chr1-150077705-C-T. GRCh37 (hg19) VCF-style: chr1-150049783-C-T.
Other names: c.298C>T, p.Arg100Cys (NM_001279353.2); c.505C>T, p.Arg169Cys (NM_001279354.2); short protein forms R100C, R169C, R205C.
Identifiers: ClinVar variation 1020881 (VCV001020881.7), dbSNP rs908608470, ClinGen allele CA29983629.